The following is an entry in ClinVar:

NM_020297.4(ABCC9):c.2375C>T (p.Pro792Leu)

Gene: ABCC9 (ATP binding cassette subfamily C member 9; minus strand). Cytogenetic location: 12p12.1.
Variant type: single nucleotide variant.
Coding change: c.2375C>T on transcript NM_020297.4 (MANE Select); coding-DNA position 2375, C replaced by T.
Protein change: p.Pro792Leu; replaces proline 792 with leucine.
Molecular consequence: missense variant.
Genome position (GRCh38, 1-based): chr12:21,861,020, G>A on the plus strand (C>T on the coding strand, the complement: ABCC9 is on the minus strand). VCF-style: chr12-21861020-G-A. GRCh37 (hg19) VCF-style: chr12-22013954-G-A.
Other names: c.2375C>T, p.Pro792Leu (NM_001377273.1, NM_005691.4); c.1508C>T, p.Pro503Leu (NM_001377274.1); short protein forms P792L, P503L.
Identifiers: ClinVar variation 2199398 (VCV002199398.6), dbSNP rs753713460, ClinGen allele CA6481400.

ClinVar aggregate classification (germline): Uncertain significance. Review status: criteria provided, multiple submitters, no conflicts (2 of 4 stars). 2 submissions from 2 submitters: Uncertain significance (2). Last evaluated 2024-04-22.

Conditions:
Dilated cardiomyopathy 1O (CMD1O). Also called: CARDIOMYOPATHY, DILATED, WITH VENTRICULAR TACHYCARDIA. Identifiers: Orphanet 154, MedGen C1837839, MONDO:0012062, OMIM 608569.
Cardiovascular phenotype. Identifiers: MedGen CN230736.

Allele frequency attached by ClinVar (database versions not stated): gnomAD exomes below 0.00001; ExAC 0.00001.
gnomAD v4.1: 3 of 1,613,580 alleles (0.00019%); highest among the groups gnomAD compares: African/African-American, 0.0027%; no homozygotes.

Submissions (2):

Labcorp Genetics (formerly Invitae), Labcorp
Classification: Uncertain significance for Dilated cardiomyopathy 1O. Last evaluated: 2024-04-22. Review status: criteria provided, single submitter. Criteria: Invitae Variant Classification Sherloc (09022015). Collection method: clinical testing. Allele origin: germline.
Comment: This sequence change replaces proline, which is neutral and non-polar, with leucine, which is neutral and non-polar, at codon 792 of the ABCC9 protein (p.Pro792Leu). This variant is present in population databases (rs753713460, gnomAD 0.007%). This variant has not been reported in the literature in individuals affected with ABCC9-related conditions. ClinVar contains an entry for this variant (Variation ID: 2199398). Advanced modeling of protein sequence and biophysical properties (such as structural, functional, and spatial information, amino acid conservation, physicochemical variation, residue mobility, and thermodynamic stability) performed at Invitae indicates that this missense variant is expected to disrupt ABCC9 protein function with a positive predictive value of 80%. In summary, the available evidence is currently insufficient to determine the role of this variant in disease. Therefore, it has been classified as a Variant of Uncertain Significance.

Ambry Genetics
Classification: Uncertain significance for Cardiovascular phenotype. Last evaluated: 2023-09-15. Review status: criteria provided, single submitter. Criteria: Ambry Variant Classification Scheme 2023. Collection method: clinical testing. Allele origin: germline.
Comment: The p.P792L variant (also known as c.2375C>T), located in coding exon 19 of the ABCC9 gene, results from a C to T substitution at nucleotide position 2375. The proline at codon 792 is replaced by leucine, an amino acid with similar properties. This amino acid position is highly conserved in available vertebrate species. In addition, this alteration is predicted to be deleterious by in silico analysis. Since supporting evidence is limited at this time, the clinical significance of this alteration remains unclear.